The following is an entry in ClinVar:

ClinVar aggregate classification (germline): Uncertain significance (1 of 4 stars; one submission).

Allele frequency attached by ClinVar (database versions not stated): gnomAD exomes below 0.00001.
gnomAD v4.1: 8 of 1,613,970 alleles (0.0005%); highest among the groups gnomAD compares: African/African-American, 0.0067%; no homozygotes.

Submission:

Ambry Genetics
Classification: Uncertain significance. Last evaluated: 2023-07-29. Review status: criteria provided, single submitter. Criteria: Ambry Variant Classification Scheme 2023. Collection method: clinical testing. Allele origin: germline.
Comment: The p.A873V variant (also known as c.2618C>T), located in coding exon 17 of the MYOM1 gene, results from a C to T substitution at nucleotide position 2618. The alanine at codon 873 is replaced by valine, an amino acid with similar properties. This amino acid position is conserved. In addition, this alteration is predicted to be tolerated by in silico analysis. Since supporting evidence is limited at this time, the clinical significance of this alteration remains unclear.

NM_003803.4(MYOM1):c.2618C>T (p.Ala873Val)

Gene: MYOM1 (myomesin 1; minus strand). Cytogenetic location: 18p11.31.
Variant type: single nucleotide variant.
Coding change: c.2618C>T on transcript NM_003803.4 (MANE Select); coding-DNA position 2618, C replaced by T.
Protein change: p.Ala873Val; replaces alanine 873 with valine.
Molecular consequence: missense variant. On other transcripts: intron variant (1).
Genome position (GRCh38, 1-based): chr18:3,129,408, G>A on the plus strand (C>T on the coding strand, the complement: MYOM1 is on the minus strand). VCF-style: chr18-3129408-G-A. GRCh37 (hg19) VCF-style: chr18-3129406-G-A.
Other names: c.2506+1967C>T (NM_019856.2); short protein forms A873V.
Identifiers: ClinVar variation 2619760 (VCV002619760.2), dbSNP rs1667261160, ClinGen allele CA401710134.